The following is an entry in ClinVar:

NM_002470.4(MYH3):c.748C>T (p.Arg250Ter)

Gene: MYH3 (myosin heavy chain 3; minus strand). Cytogenetic location: 17p13.1.
Variant type: single nucleotide variant.
Coding change: c.748C>T on transcript NM_002470.4 (MANE Select); coding-DNA position 748, C replaced by T.
Protein change: p.Arg250Ter; replaces arginine 250 with a stop codon.
Molecular consequence: nonsense.
Genome position (GRCh38, 1-based): chr17:10,647,414, G>A on the plus strand (C>T on the coding strand, the complement: MYH3 is on the minus strand). VCF-style: chr17-10647414-G-A. GRCh37 (hg19) VCF-style: chr17-10550731-G-A.
Other names: short protein forms R250*.
Identifiers: ClinVar variation 2997988 (VCV002997988.4), dbSNP rs761035474, ClinGen allele CA8393165.

ClinVar aggregate classification (germline): Pathogenic. Review status: criteria provided, multiple submitters, no conflicts (2 of 4 stars). 2 submissions from 2 submitters: Pathogenic (2). Last evaluated 2026-03-11.

Conditions:
Venular insufficiency, systemic. Identifiers: MedGen C1860465, MONDO:0008649, OMIM 192700.

Allele frequency attached by ClinVar (database versions not stated): ExAC 0.00001; gnomAD 0.00001; gnomAD exomes 0.00001.

Submissions (2):

Institute of Immunology and Genetics Kaiserslautern
Classification: Pathogenic for Venular insufficiency, systemic. Last evaluated: 2026-03-11. Review status: criteria provided, single submitter. Criteria: ACMG Guidelines, 2015. Collection method: clinical testing. Allele origin: germline. Affected: yes.
Comment: ACMG Criteria: PVS1, PM2; Variant was found in heterozygous state. Maternal sample was not available for testing de novo-status.

Labcorp Genetics (formerly Invitae), Labcorp
Classification: Pathogenic. Last evaluated: 2024-02-16. Review status: criteria provided, single submitter. Criteria: Invitae Variant Classification Sherloc (09022015). Collection method: clinical testing. Allele origin: germline.
Comment: This sequence change creates a premature translational stop signal (p.Arg250*) in the MYH3 gene. It is expected to result in an absent or disrupted protein product. Loss-of-function variants in MYH3 are known to be pathogenic (PMID: 29805041, 30008475). This variant is not present in population databases (gnomAD no frequency). This variant has not been reported in the literature in individuals affected with MYH3-related conditions. Algorithms developed to predict the effect of sequence changes on RNA splicing suggest that this variant may disrupt the consensus splice site. For these reasons, this variant has been classified as Pathogenic.

Literature cited by the submitters: PubMed 29805041 (cited by Labcorp Genetics (formerly Invitae), Labcorp); PubMed 30008475 (cited by Labcorp Genetics (formerly Invitae), Labcorp).